The following is an entry in ClinVar:

ClinVar aggregate classification (germline): Uncertain significance (1 of 4 stars; one submission).

Conditions:
Pigmentary pallidal degeneration (NBIA1). Also called: Neurodegeneration with brain iron accumulation 1; Pantothenate Kinase-Associated Neurodegeneration; HARP SYNDROME; PKAN NEUROAXONAL DYSTROPHY, JUVENILE-ONSET; Neuroaxonal dystrophy, late infantile; Hallervorden-Spatz disease. Identifiers: Orphanet 157850, MedGen C0018523, MONDO:0009319, OMIM 234200.

Submission:

Labcorp Genetics (formerly Invitae), Labcorp
Classification: Uncertain significance for Pigmentary pallidal degeneration. Last evaluated: 2025-07-14. Review status: criteria provided, single submitter. Criteria: Invitae Variant Classification Sherloc (09022015). Collection method: clinical testing. Allele origin: germline.
Comment: This sequence change replaces alanine, which is neutral and non-polar, with aspartic acid, which is acidic and polar, at codon 434 of the PANK2 protein (p.Ala434Asp). This variant is not present in population databases (gnomAD no frequency). This variant has not been reported in the literature in individuals affected with PANK2-related conditions. ClinVar contains an entry for this variant (Variation ID: 1434887). Invitae Evidence Modeling of protein sequence and biophysical properties (such as structural, functional, and spatial information, amino acid conservation, physicochemical variation, residue mobility, and thermodynamic stability) indicates that this missense variant is expected to disrupt PANK2 protein function with a positive predictive value of 95%. In summary, the available evidence is currently insufficient to determine the role of this variant in disease. Therefore, it has been classified as a Variant of Uncertain Significance.

NM_001386393.1(PANK2):c.971C>A (p.Ala324Asp)

Gene: PANK2 (pantothenate kinase 2; plus strand). Cytogenetic location: 20p13.
Variant type: single nucleotide variant.
Coding change: c.971C>A on transcript NM_001386393.1 (MANE Select); coding-DNA position 971, C replaced by A.
Protein change: p.Ala324Asp; replaces alanine 324 with aspartic acid.
Molecular consequence: missense variant. On other transcripts: 5 prime UTR variant (1), non-coding transcript variant (1).
Genome position (GRCh38, 1-based): chr20:3,912,523, C>A. VCF-style: chr20-3912523-C-A. GRCh37 (hg19) VCF-style: chr20-3893170-C-A.
Other names: c.428C>A, p.Ala143Asp (NM_001324191.2, NM_024960.6, NM_153640.4); c.-8C>A (NM_001324193.2); c.1301C>A, p.Ala434Asp (NM_153638.4); short protein forms A143D, A324D, A434D.
Identifiers: ClinVar variation 1434887 (VCV001434887.8), dbSNP rs1031848408, ClinGen allele CA408117473.